The following is an entry in ClinVar:

NM_014476.6(PDLIM3):c.570T>G (p.Phe190Leu)

Gene: PDLIM3 (PDZ and LIM domain 3; minus strand). Cytogenetic location: 4q35.1.
Variant type: single nucleotide variant.
Coding change: c.570T>G on transcript NM_014476.6 (MANE Select); coding-DNA position 570, T replaced by G.
Protein change: p.Phe190Leu; replaces phenylalanine 190 with leucine.
Molecular consequence: missense variant. On other transcripts: intron variant (3).
Genome position (GRCh38, 1-based): chr4:185,508,391, A>C on the plus strand (T>G on the coding strand, the complement: PDLIM3 is on the minus strand). VCF-style: chr4-185508391-A-C. GRCh37 (hg19) VCF-style: chr4-186429545-A-C.
Other names: c.162-1739T>G (NM_001257963.2); c.399-1739T>G (NM_001257962.2); c.519-1739T>G (NM_001114107.5); short protein forms F190L.
Identifiers: ClinVar variation 1372361 (VCV001372361.6), dbSNP rs369885925, ClinGen allele CA112044709.

ClinVar aggregate classification (germline): Uncertain significance (1 of 4 stars; one submission).

Conditions:
Primary dilated cardiomyopathy (DCM). Also called: Dilated Cardiomyopathy. Identifiers: Orphanet 217604, MedGen C0007193, MeSH D002311, MONDO:0005021, HP:0001644. Inheritance: Various modes of inheritance.
Hypertrophic cardiomyopathy. Also called: HYPERTROPHIC MYOCARDIOPATHY. Identifiers: Orphanet 217569, MedGen C0007194, MeSH D002312, MONDO:0005045, HP:0001639.

Allele frequency attached by ClinVar (database versions not stated): ESP Exome Variant Server 0.00008.

Submission:

Labcorp Genetics (formerly Invitae), Labcorp
Classification: Uncertain significance for Hypertrophic cardiomyopathy; Primary dilated cardiomyopathy. Last evaluated: 2022-09-01. Review status: criteria provided, single submitter. Criteria: Invitae Variant Classification Sherloc (09022015). Collection method: clinical testing. Allele origin: germline.
Comment: This variant has not been reported in the literature in individuals affected with PDLIM3-related conditions. This variant is not present in population databases (gnomAD no frequency). This sequence change replaces phenylalanine, which is neutral and non-polar, with leucine, which is neutral and non-polar, at codon 190 of the PDLIM3 protein (p.Phe190Leu). ClinVar contains an entry for this variant (Variation ID: 1372361). In summary, the available evidence is currently insufficient to determine the role of this variant in disease. Therefore, it has been classified as a Variant of Uncertain Significance. Algorithms developed to predict the effect of missense changes on protein structure and function are either unavailable or do not agree on the potential impact of this missense change (SIFT: "Deleterious"; PolyPhen-2: "Benign"; Align-GVGD: "Class C0").